The following is an entry in ClinVar:

NM_000071.3(CBS):c.1359-1G>C

Gene: CBS (cystathionine beta-synthase; minus strand). Cytogenetic location: 21q22.3.
Variant type: single nucleotide variant.
Coding change: c.1359-1G>C on transcript NM_000071.3 (MANE Select); the canonical splice acceptor site of the intron before coding-DNA position 1359, G replaced by C.
Molecular consequence: splice acceptor variant.
Genome position (GRCh38, 1-based): chr21:43,058,254, C>G on the plus strand (G>C on the coding strand, the complement: CBS is on the minus strand). VCF-style: chr21-43058254-C-G. GRCh37 (hg19) VCF-style: chr21-44478364-C-G.
Other names: c.1359-1G>C (NM_001320298.2, NM_001178009.3, NM_001178008.3); c.1044-1G>C (NM_001321072.1).
Identifiers: ClinVar variation 554614 (VCV000554614.11), dbSNP rs865990681, ClinGen allele CA410396829.

ClinVar aggregate classification (germline): Pathogenic/Likely pathogenic. Review status: criteria provided, multiple submitters, no conflicts (2 of 4 stars). 3 submissions from 3 submitters: Pathogenic (1); Likely pathogenic (1). 1 of the submissions does not count toward it. Last evaluated 2024-12-30.

Conditions:
Classic homocystinuria. Also called: Homocystinuria due to Cystathionine Beta-Synthase Deficiency; HOMOCYSTINURIA WITH OR WITHOUT RESPONSE TO PYRIDOXINE; Homocystinuria due to CBS deficiency; Cystathionine beta-synthase deficiency; CBS deficiency. Identifiers: Orphanet 394, MedGen C0751202, MONDO:0009352, OMIM 236200.
HYPERHOMOCYSTEINEMIA, THROMBOTIC, CBS-RELATED. Identifiers: MedGen C3150344, OMIM 236200.

Submissions (3):

Natera, Inc.
Classification: Pathogenic for Homocystinuria due to cystathionine beta-synthase deficiency. Last evaluated: 2024-12-30. Review status: criteria provided, single submitter. Criteria: Natera Variant Classification Schema (03/2026). Collection method: clinical testing. Allele origin: germline.
Comment: The c.1359-1G>C variant in CBS is a canonical splice acceptor site variant predicted to affect pre-mRNA splicing, which may result in an abnormal transcript and altered protein product. This variant is expected to result in nonsense mediated decay, truncation, or a dysfunctional protein product. This variant is rare in the general population with a frequency below the threshold expected for the associated phenotype(s). This variant has been observed in one or more individuals affected with the associated recessive disease, as either homozygous or compound heterozygous with a second variant (PMID: 29508359). Given the available evidence, this variant is classified as Pathogenic.

Labcorp Genetics (formerly Invitae), Labcorp
Classification: Likely pathogenic for HYPERHOMOCYSTEINEMIA, THROMBOTIC, CBS-RELATED. Last evaluated: 2021-09-19. Review status: criteria provided, single submitter. Criteria: Invitae Variant Classification Sherloc (09022015). Collection method: clinical testing. Allele origin: germline.
Comment: Algorithms developed to predict the effect of sequence changes on RNA splicing suggest that this variant may disrupt the consensus splice site, but this prediction has not been confirmed by published transcriptional studies. This variant has not been reported in the literature in individuals with CBS-related conditions. ClinVar contains an entry for this variant (Variation ID: 554614). In summary, the currently available evidence indicates that the variant is pathogenic, but additional data are needed to prove that conclusively. Therefore, this variant has been classified as Likely Pathogenic. Donor and acceptor splice site variants typically lead to a loss of protein function (PMID: 16199547), and loss-of-function variants in CBS are known to be pathogenic (PMID: 10338090, 12124992). This variant is not present in population databases (ExAC no frequency). This sequence change affects an acceptor splice site in intron 14 of the CBS gene. It is expected to disrupt RNA splicing and likely results in an absent or disrupted protein product.

Counsyl
Classification: Likely pathogenic for Classic homocystinuria. Last evaluated: 2017-10-27. Review status: no assertion criteria provided. Collection method: clinical testing. Allele origin: unknown. Not counted in ClinVar's aggregate classification.

Literature cited by the submitters: PubMed 29508359 (cited by Natera, Inc.); PubMed 16199547 (cited by Labcorp Genetics (formerly Invitae), Labcorp); PubMed 10338090 (cited by Labcorp Genetics (formerly Invitae), Labcorp); PubMed 12124992 (cited by Labcorp Genetics (formerly Invitae), Labcorp).